The following is an entry in ClinVar:

ClinVar aggregate classification (germline): Likely pathogenic (1 of 4 stars; one submission).

Conditions:
Autosomal recessive Alport syndrome (ATS2). Also called: COL4A3-Related Nephropathy; COL4A4 Alport Syndrome and Thin Basement Membrane Nephropathy; ALPORT SYNDROME 2, AUTOSOMAL RECESSIVE; Alport syndrome type 2. Identifiers: Orphanet 63, Orphanet 88919, MedGen C4746745, MONDO:0008762, OMIM 203780.

Submission:

Myriad Genetics, Inc.
Classification: Likely pathogenic for Autosomal recessive Alport syndrome. Last evaluated: 2022-03-31. Review status: criteria provided, single submitter. Criteria: Myriad Women's Health Autosomal Recessive and X-Linked Classification Criteria (2021). Collection method: clinical testing. Allele origin: unknown.
Comment: NM_000092.4(COL4A4):c.3130_3132delCCAinsT(P1044Wfs*5) is expected to be pathogenic in the context of COL4A4-related Alport syndrome. This variant is predicted to lead to an abnormal or absent protein product due to the creation of a premature termination codon in COL4A4, a gene where loss-of-function variants are known to be pathogenic. Please note: this variant was assessed in the context of healthy population screening.

NM_000092.5(COL4A4):c.3130_3132delinsT (p.Pro1044fs)

Gene: COL4A4 (collagen type IV alpha 4 chain; minus strand). Cytogenetic location: 2q36.3.
Variant type: Indel.
Coding change: c.3130_3132delinsT on transcript NM_000092.5 (MANE Select); coding-DNA positions 3130 to 3132, CCA replaced by T.
Protein change: p.Pro1044fs; shifts the reading frame from proline 1044.
Molecular consequence: frameshift variant.
Genome position (GRCh38, 1-based): chr2:227,050,995-227,050,997, TGG replaced by A on the plus strand (CCA replaced by T on the coding strand, the reverse complement: COL4A4 is on the minus strand). VCF-style: chr2-227050995-TGG-A. GRCh37 (hg19) VCF-style: chr2-227915711-TGG-A.
Other names: short protein forms P1044fs.
Identifiers: ClinVar variation 1725720 (VCV001725720.2), dbSNP rs2473967532, ClinGen allele CA2580065829.